The following is an entry in ClinVar:

NM_002734.5(PRKAR1A):c.522C>G (p.Phe174Leu)

Gene: PRKAR1A (protein kinase cAMP-dependent type I regulatory subunit alpha; plus strand). Cytogenetic location: 17q24.2.
Variant type: single nucleotide variant.
Coding change: c.522C>G on transcript NM_002734.5 (MANE Select); coding-DNA position 522, C replaced by G.
Protein change: p.Phe174Leu; replaces phenylalanine 174 with leucine.
Molecular consequence: missense variant.
Genome position (GRCh38, 1-based): chr17:68,524,931, C>G. VCF-style: chr17-68524931-C-G. GRCh37 (hg19) VCF-style: chr17-66521072-C-G.
Other names: c.522C>G, p.Phe174Leu (NM_001276289.2, NM_001276290.1, NM_001278433.2 and 4 more transcripts); short protein forms F174L.
Identifiers: ClinVar variation 4674274 (VCV004674274.1).

ClinVar aggregate classification (germline): Uncertain significance (1 of 4 stars; one submission).

Conditions:
Hereditary cancer-predisposing syndrome. Also called: Neoplastic Syndromes, Hereditary; Tumor predisposition; Hereditary Cancer Syndrome; Hereditary neoplastic syndrome. Identifiers: Orphanet 140162, MedGen C0027672, MeSH D009386, MONDO:0015356.

Submission:

Ambry Genetics
Classification: Uncertain significance for Hereditary cancer-predisposing syndrome. Last evaluated: 2025-11-08. Review status: criteria provided, single submitter. Criteria: Ambry Variant Classification Scheme 2023. Collection method: clinical testing. Allele origin: germline.
Comment: The p.F174L variant (also known as c.522C>G), located in coding exon 5 of the PRKAR1A gene, results from a C to G substitution at nucleotide position 522. The phenylalanine at codon 174 is replaced by leucine, an amino acid with highly similar properties. This amino acid position is conserved. In addition, this alteration is predicted to be deleterious by in silico analysis. Based on the available evidence, the clinical significance of this variant remains unclear.